The following is an entry in ClinVar:

NC_000013.10:g.(?_49027115)_(49054207_?)dup

Gene: RB1 (RB transcriptional corepressor 1; plus strand). Cytogenetic location: 13q14.2.
Variant type: Duplication.
Identifiers: ClinVar variation 1010326 (VCV001010326.7).

ClinVar aggregate classification (germline): Uncertain significance (1 of 4 stars; one submission).

Conditions:
Retinoblastoma (RB1). Also called: RETINOBLASTOMA, SOMATIC. Identifiers: Orphanet 790, MedGen C0035335, MeSH D012175, MONDO:0008380, OMIM 180200, HP:0009919. Disease mechanism: loss of function. Inheritance: Both sporadic and heritable forms are tested..

Submission:

Labcorp Genetics (formerly Invitae), Labcorp
Classification: Uncertain significance for Retinoblastoma. Last evaluated: 2020-04-28. Review status: criteria provided, single submitter. Criteria: Invitae Variant Classification Sherloc (09022015). Collection method: clinical testing. Allele origin: germline.
Comment: In summary, the available evidence is currently insufficient to determine the role of this variant in disease. Therefore, it has been classified as a Variant of Uncertain Significance. Experimental studies and prediction algorithms are not available or were not evaluated, and the functional significance of this variant is currently unknown. A similar copy number gain has been observed in individual(s) with RB1-related conditions (PMID: 19280657). This variant results in a copy number gain of the genomic region encompassing exon(s) 18-27 of the RB1 gene. The 5' boundary is likely confined to intron 17. The 3' end of this event is unknown as it extends beyond the assayed region for this gene and therefore may encompass additional genes. As the precise location of this event is unknown, it may be in tandem or it may be located elsewhere in the genome.

Literature cited by the submitters: PubMed 19280657.